The following is an entry in ClinVar:

NM_000282.4(PCCA):c.1968G>T (p.Glu656Asp)

Gene: PCCA (propionyl-CoA carboxylase subunit alpha; plus strand). Cytogenetic location: 13q32.3.
Variant type: single nucleotide variant.
Coding change: c.1968G>T on transcript NM_000282.4 (MANE Select); coding-DNA position 1968, G replaced by T.
Protein change: p.Glu656Asp; replaces glutamic acid 656 with aspartic acid.
Molecular consequence: missense variant. On other transcripts: non-coding transcript variant (4), intron variant (2).
Genome position (GRCh38, 1-based): chr13:100,515,495, G>T. VCF-style: chr13-100515495-G-T. GRCh37 (hg19) VCF-style: chr13-101167749-G-T.
Other names: c.1890G>T, p.Glu630Asp (NM_001127692.3); c.1914G>T, p.Glu638Asp (NM_001352605.2); c.1824G>T, p.Glu608Asp (NM_001352606.2); c.1746G>T, p.Glu582Asp (NM_001352608.2); c.1023G>T, p.Glu341Asp (NM_001352610.2); c.969G>T, p.Glu323Asp (NM_001352611.2); c.879G>T, p.Glu293Asp (NM_001352612.2); c.1900-12180G>T (NM_001178004.2); and 1 more; short protein forms E293D, E656D, E341D, E582D, E323D, E608D, E630D, E638D.
Identifiers: ClinVar variation 1503321 (VCV001503321.5), dbSNP rs891469566, ClinGen allele CA255366680.

ClinVar aggregate classification (germline): Uncertain significance (1 of 4 stars; one submission).

Conditions:
Propionic acidemia (PROP). Also called: GLYCINEMIA, KETOTIC; HYPERGLYCINEMIA WITH KETOACIDOSIS AND LEUKOPENIA; KETOTIC HYPERGLYCINEMIA. Identifiers: Orphanet 35, MedGen C0268579, MONDO:0011628, OMIM 606054, HP:0003571.

Allele frequency attached by ClinVar (database versions not stated): gnomAD 0.00001; gnomAD exomes 0.00001 and 0.00002; TOPMed 0.00004.
gnomAD v4.1: 7 of 1,614,006 alleles (0.00043%); highest among the groups gnomAD compares: Admixed American, 0.0017%; no homozygotes.

Submission:

Labcorp Genetics (formerly Invitae), Labcorp
Classification: Uncertain significance for Propionic acidemia. Last evaluated: 2022-08-22. Review status: criteria provided, single submitter. Criteria: Invitae Variant Classification Sherloc (09022015). Collection method: clinical testing. Allele origin: germline.
Comment: This sequence change replaces glutamic acid, which is acidic and polar, with aspartic acid, which is acidic and polar, at codon 656 of the PCCA protein (p.Glu656Asp). This variant is present in population databases (no rsID available, gnomAD 0.004%). This variant has not been reported in the literature in individuals affected with PCCA-related conditions. ClinVar contains an entry for this variant (Variation ID: 1503321). Advanced modeling of protein sequence and biophysical properties (such as structural, functional, and spatial information, amino acid conservation, physicochemical variation, residue mobility, and thermodynamic stability) performed at Invitae indicates that this missense variant is not expected to disrupt PCCA protein function. In summary, the available evidence is currently insufficient to determine the role of this variant in disease. Therefore, it has been classified as a Variant of Uncertain Significance.